The following is an entry in ClinVar:

ClinVar aggregate classification (germline): Uncertain significance (1 of 4 stars; one submission).

Conditions:
Hereditary cancer-predisposing syndrome. Also called: Neoplastic Syndromes, Hereditary; Hereditary Cancer Syndrome; Tumor predisposition; Hereditary neoplastic syndrome. Identifiers: Orphanet 140162, MedGen C0027672, MeSH D009386, MONDO:0015356.

gnomAD v4.1: 3 of 1,612,506 alleles (0.00019%); highest among the groups gnomAD compares: South Asian, 0.0022%; no homozygotes.

Submission:

Ambry Genetics
Classification: Uncertain significance for Hereditary cancer-predisposing syndrome. Last evaluated: 2023-03-13. Review status: criteria provided, single submitter. Criteria: Ambry Variant Classification Scheme 2023. Collection method: clinical testing. Allele origin: germline.
Comment: The p.S689I variant (also known as c.2066G>T), located in coding exon 18 of the MRE11A gene, results from a G to T substitution at nucleotide position 2066. The serine at codon 689 is replaced by isoleucine, an amino acid with dissimilar properties. This amino acid position is conserved. In addition, this alteration is predicted to be tolerated by in silico analysis. Since supporting evidence is limited at this time, the clinical significance of this alteration remains unclear.

NM_005591.4(MRE11):c.2066G>T (p.Ser689Ile)

Gene: MRE11 (MRE11 double strand break repair nuclease; minus strand). Cytogenetic location: 11q21.
Variant type: single nucleotide variant.
Coding change: c.2066G>T on transcript NM_005591.4 (MANE Select); coding-DNA position 2066, G replaced by T.
Protein change: p.Ser689Ile; replaces serine 689 with isoleucine.
Molecular consequence: missense variant.
Genome position (GRCh38, 1-based): chr11:94,429,915, C>A on the plus strand (G>T on the coding strand, the complement: MRE11 is on the minus strand). VCF-style: chr11-94429915-C-A. GRCh37 (hg19) VCF-style: chr11-94163081-C-A.
Other names: c.2063G>T, p.Ser688Ile (NM_001330347.2); c.1982G>T, p.Ser661Ile (NM_005590.4); short protein forms S661I, S689I, S688I.
Identifiers: ClinVar variation 2446999 (VCV002446999.2), dbSNP rs1238082340, ClinGen allele CA382373435.